The following is an entry in ClinVar:

NM_018161.5(NADSYN1):c.924G>A (p.Ser308=)

Gene: NADSYN1 (NAD synthetase 1; plus strand). Cytogenetic location: 11q13.4.
Variant type: single nucleotide variant.
Coding change: c.924G>A on transcript NM_018161.5 (MANE Select); coding-DNA position 924, G replaced by A.
Protein change: p.Ser308=; no amino-acid change (serine 308 retained).
Molecular consequence: synonymous variant.
Genome position (GRCh38, 1-based): chr11:71,480,805, G>A. VCF-style: chr11-71480805-G-A. GRCh37 (hg19) VCF-style: chr11-71191851-G-A.
Identifiers: ClinVar variation 2642106 (VCV002642106.24), dbSNP rs76770512, ClinGen allele CA6163284.
Genomic context (GRCh38, chr11:71,480,805, plus strand): 5'-CCATTGCCAGGCCAGCAGGGCGAGCCCCTACCCCAGAGTGAAGGTGGACTTTGCCCTCTC[G>A]TGCCACGAGGACTTGCTGGCACCCATCTCTGAGCCCATCGAGTGGAAATACCACAGCCCT-3'
Protein context (NP_060631.2, residues 298-318): YPRVKVDFAL[Ser308=]CHEDLLAPIS

ClinVar aggregate classification (germline): Likely benign (1 of 4 stars; one submission).

gnomAD v4.1: 333 of 1,614,040 alleles (0.021%); highest among the groups gnomAD compares: East Asian, 0.08%; no homozygotes.

Submission:

CeGaT Center for Human Genetics Tuebingen
Classification: Likely benign. Last evaluated: 2023-01-01. Review status: criteria provided, single submitter. Criteria: CeGaT Center For Human Genetics Tuebingen Variant Classification Criteria Version 2. Collection method: clinical testing. Allele origin: germline. Affected: yes. Observed: 1 variant allele.
Comment: NADSYN1: BP4, BP7